The following is an entry in ClinVar:

NM_015378.4(VPS13D):c.3915A>C (p.Leu1305Phe)

Gene: VPS13D (vacuolar protein sorting 13 homolog D; plus strand). Cytogenetic location: 1p36.22.
Variant type: single nucleotide variant.
Coding change: c.3915A>C on transcript NM_015378.4 (MANE Select); coding-DNA position 3915, A replaced by C.
Protein change: p.Leu1305Phe; replaces leucine 1305 with phenylalanine.
Molecular consequence: missense variant.
Genome position (GRCh38, 1-based): chr1:12,277,503, A>C. VCF-style: chr1-12277503-A-C. GRCh37 (hg19) VCF-style: chr1-12337560-A-C.
Other names: c.3915A>C, p.Leu1305Phe (NM_018156.4); short protein forms L1305F.
Identifiers: ClinVar variation 1715238 (VCV001715238.5), dbSNP rs2524026907, ClinGen allele CA338477023.

ClinVar aggregate classification (germline): Uncertain significance (1 of 4 stars; one submission).

Submission:

Labcorp Genetics (formerly Invitae), Labcorp
Classification: Uncertain significance. Last evaluated: 2025-04-21. Review status: criteria provided, single submitter. Criteria: Invitae Variant Classification Sherloc (09022015). Collection method: clinical testing. Allele origin: germline.
Comment: This sequence change replaces leucine, which is neutral and non-polar, with phenylalanine, which is neutral and non-polar, at codon 1305 of the VPS13D protein (p.Leu1305Phe). This variant is not present in population databases (gnomAD no frequency). This variant has not been reported in the literature in individuals affected with VPS13D-related conditions. ClinVar contains an entry for this variant (Variation ID: 1715238). Invitae Evidence Modeling of protein sequence and biophysical properties (such as structural, functional, and spatial information, amino acid conservation, physicochemical variation, residue mobility, and thermodynamic stability) indicates that this missense variant is expected to disrupt VPS13D protein function with a positive predictive value of 80%. In summary, the available evidence is currently insufficient to determine the role of this variant in disease. Therefore, it has been classified as a Variant of Uncertain Significance.